The following is an entry in ClinVar:

NC_012920.1(MT-ND4):m.12033A>G

Gene: MT-ND4 (mitochondrially encoded NADH dehydrogenase 4; plus strand).
Variant type: single nucleotide variant.
Genome position: chrM-12033-A-G.
Identifiers: ClinVar variation 693404 (VCV000693404.1), dbSNP rs1603223521, ClinGen allele CA414812186.
Genomic context (GRCh38, chrMT:12,033, plus strand): 5'-TATACTCCCTCTACATATTTACCACAACACAATGGGGCTCACTCACCCACCACATTAACA[A>G]CATAAAACCCTCATTCACACGAGAAAACACCCTCATGTTCATACACCTATCCCCCATTCT-3'

ClinVar aggregate classification (germline): Likely benign (1 of 4 stars; one submission).

Conditions:
Leigh syndrome (NULS). Also called: Leigh's necrotizing encephalopathy; Leigh's disease; Leigh Syndrome (mtDNA deletion); Leigh Disease; Subacute necrotizing encephalopathy; Necrotizing encephalopathy infantile subacute of Leigh. Identifiers: Orphanet 506, MedGen C2931891, MONDO:0009723, OMIM 256000.

Submission:

Wong Mito Lab, Molecular and Human Genetics, Baylor College of Medicine
Classification: Likely benign for Leigh syndrome. Last evaluated: 2019-10-17. Review status: criteria provided, single submitter. Criteria: Modified ACMG Guidelines (Unpublished). Collection method: clinical testing. Allele origin: germline.
Comment: The NC_012920.1:m.12033A>G (YP_003024035.1:p.Asn425Ser) variant in MTND4 gene is interpretated to be a Likely Benign variant based on the modified ACMG guidelines (unpublished). This variant meets the following evidence codes: BS1, BP4